The following is an entry in ClinVar:

NM_020549.5(CHAT):c.693G>C (p.Gln231His)

Gene: CHAT (choline O-acetyltransferase; plus strand). Cytogenetic location: 10q11.23.
Variant type: single nucleotide variant.
Coding change: c.693G>C on transcript NM_020549.5 (MANE Select); coding-DNA position 693, G replaced by C.
Protein change: p.Gln231His; replaces glutamine 231 with histidine.
Molecular consequence: missense variant.
Genome position (GRCh38, 1-based): chr10:49,620,608, G>C. VCF-style: chr10-49620608-G-C. GRCh37 (hg19) VCF-style: chr10-50828654-G-C.
Other names: c.339G>C, p.Gln113His (NM_001142929.2, NM_001142934.2, NM_020984.4 and 2 more transcripts); c.447G>C, p.Gln149His (NM_001142933.2); short protein forms Q149H, Q113H, Q231H.
Identifiers: ClinVar variation 835437 (VCV000835437.9), dbSNP rs1838671242, ClinGen allele CA376727831.
Genomic context (GRCh38, chr10:49,620,608, plus strand): 5'-TGTCAACTCCAGCCCTGCCGTGATCTTTGCTCGGCAGCACTTCCCTGGCACCGATGACCA[G>C]CTGAGGTGAGGCCTTGGTGCTCCTAGCTCATAACCTGGGGACCCACCCAAGGCAGGGGCC-3'
Protein context (NP_065574.4, residues 221-241): ARQHFPGTDD[Gln231His]LRFAASLISG

ClinVar aggregate classification (germline): Uncertain significance (1 of 4 stars; one submission).

Conditions:
Familial infantile myasthenia (CMS6). Also called: MYASTHENIC SYNDROME, PRESYNAPTIC, CONGENITAL, ASSOCIATED WITH EPISODIC APNEA; Congenital myasthenic syndrome type 6; MYASTHENIC SYNDROME, CONGENITAL, 6, PRESYNAPTIC. Identifiers: Orphanet 590, MedGen C0393929, MONDO:0009689, OMIM 254210.

Submission:

Labcorp Genetics (formerly Invitae), Labcorp
Classification: Uncertain significance for Familial infantile myasthenia. Last evaluated: 2022-10-13. Review status: criteria provided, single submitter. Criteria: Invitae Variant Classification Sherloc (09022015). Collection method: clinical testing. Allele origin: germline.
Comment: Advanced modeling of protein sequence and biophysical properties (such as structural, functional, and spatial information, amino acid conservation, physicochemical variation, residue mobility, and thermodynamic stability) has been performed at Invitae for this missense variant, however the output from this modeling did not meet the statistical confidence thresholds required to predict the impact of this variant on CHAT protein function. In summary, the available evidence is currently insufficient to determine the role of this variant in disease. Therefore, it has been classified as a Variant of Uncertain Significance. ClinVar contains an entry for this variant (Variation ID: 835437). This variant has not been reported in the literature in individuals affected with CHAT-related conditions. This variant is not present in population databases (gnomAD no frequency). This sequence change replaces glutamine, which is neutral and polar, with histidine, which is basic and polar, at codon 231 of the CHAT protein (p.Gln231His).